The following is an entry in ClinVar:

ClinVar aggregate classification (germline): Uncertain significance (1 of 4 stars; one submission).

Conditions:
Facioscapulohumeral muscular dystrophy 2 (FSHD2). Also called: MUSCULAR DYSTROPHY, FACIOSCAPULOHUMERAL, TYPE 1B; FACIOSCAPULOHUMERAL MUSCULAR DYSTROPHY 2, DIGENIC; FSHD2, DIGENIC. Identifiers: Orphanet 269, MedGen C1834671, MONDO:0008031, OMIM 158901.

gnomAD v4.1: 4 of 1,612,410 alleles (0.00025%); highest among the groups gnomAD compares: African/African-American, 0.0013%; no homozygotes.

Submission:

Labcorp Genetics (formerly Invitae), Labcorp
Classification: Uncertain significance for Facioscapulohumeral muscular dystrophy 2. Last evaluated: 2025-12-22. Review status: criteria provided, single submitter. Criteria: Invitae Variant Classification Sherloc (09022015). Collection method: clinical testing. Allele origin: germline.
Comment: This sequence change replaces asparagine, which is neutral and polar, with serine, which is neutral and polar, at codon 797 of the SMCHD1 protein (p.Asn797Ser). This variant is present in population databases (rs749513873, gnomAD 0.004%). This variant has not been reported in the literature in individuals affected with SMCHD1-related conditions. Invitae Evidence Modeling of protein sequence and biophysical properties (such as structural, functional, and spatial information, amino acid conservation, physicochemical variation, residue mobility, and thermodynamic stability) indicates that this missense variant is not expected to disrupt SMCHD1 protein function with a negative predictive value of 80%. In summary, the available evidence is currently insufficient to determine the role of this variant in disease. Therefore, it has been classified as a Variant of Uncertain Significance.

NM_015295.3(SMCHD1):c.2390A>G (p.Asn797Ser)

Gene: SMCHD1 (structural maintenance of chromosomes flexible hinge domain containing 1; plus strand). Cytogenetic location: 18p11.32.
Variant type: single nucleotide variant.
Coding change: c.2390A>G on transcript NM_015295.3 (MANE Select); coding-DNA position 2390, A replaced by G.
Protein change: p.Asn797Ser; replaces asparagine 797 with serine.
Molecular consequence: missense variant.
Genome position (GRCh38, 1-based): chr18:2,718,366, A>G. VCF-style: chr18-2718366-A-G. GRCh37 (hg19) VCF-style: chr18-2718364-A-G.
Other names: short protein forms N797S.
Identifiers: ClinVar variation 4748276 (VCV004748276.1).